The following is an entry in ClinVar:

ClinVar aggregate classification (germline): Uncertain significance (1 of 4 stars; one submission).

Conditions:
Shprintzen-Goldberg syndrome (SGS). Also called: SHPRINTZEN-GOLDBERG CRANIOSYNOSTOSIS SYNDROME; CRANIOSYNOSTOSIS WITH ARACHNODACTYLY AND ABDOMINAL HERNIAS; Marfanoid disorder with craniosynostosis type 1; Marfanoid craniosynostosis syndrome; Shprintzen-Goldberg marfanoid syndrome. Identifiers: Orphanet 2462, MedGen C1321551, MONDO:0008426, OMIM 182212.

Allele frequency attached by ClinVar (database versions not stated): TOPMed below 0.00001.
gnomAD v4.1: 1 of 1,311,524 alleles (0.000076%); highest among the groups gnomAD compares: Non-Finnish European, 0.000098%; no homozygotes.

Submission:

Labcorp Genetics (formerly Invitae), Labcorp
Classification: Uncertain significance for Shprintzen-Goldberg syndrome. Last evaluated: 2023-08-16. Review status: criteria provided, single submitter. Criteria: Invitae Variant Classification Sherloc (09022015). Collection method: clinical testing. Allele origin: germline.
Comment: In summary, the available evidence is currently insufficient to determine the role of this variant in disease. Therefore, it has been classified as a Variant of Uncertain Significance. Advanced modeling of protein sequence and biophysical properties (such as structural, functional, and spatial information, amino acid conservation, physicochemical variation, residue mobility, and thermodynamic stability) has been performed at Invitae for this missense variant, however the output from this modeling did not meet the statistical confidence thresholds required to predict the impact of this variant on SKI protein function. ClinVar contains an entry for this variant (Variation ID: 1427506). This variant has not been reported in the literature in individuals affected with SKI-related conditions. This variant is not present in population databases (gnomAD no frequency). This sequence change replaces arginine, which is basic and polar, with glycine, which is neutral and non-polar, at codon 8 of the SKI protein (p.Arg8Gly).

NM_003036.4(SKI):c.22C>G (p.Arg8Gly)

Gene: SKI (SKI proto-oncogene; plus strand). Cytogenetic location: 1p36.33.
Variant type: single nucleotide variant.
Coding change: c.22C>G on transcript NM_003036.4 (MANE Select); coding-DNA position 22, C replaced by G.
Protein change: p.Arg8Gly; replaces arginine 8 with glycine.
Molecular consequence: missense variant.
Genome position (GRCh38, 1-based): chr1:2,228,788, C>G. VCF-style: chr1-2228788-C-G. GRCh37 (hg19) VCF-style: chr1-2160227-C-G.
Other names: short protein forms R8G.
Identifiers: ClinVar variation 1427506 (VCV001427506.6), dbSNP rs1254990952, ClinGen allele CA337951917.